The following is an entry in ClinVar:

NM_033004.4(NLRP1):c.1039G>C (p.Val347Leu)

Gene: NLRP1 (NLR family pyrin domain containing 1; minus strand). Cytogenetic location: 17p13.2.
Variant type: single nucleotide variant.
Coding change: c.1039G>C on transcript NM_033004.4 (MANE Select); coding-DNA position 1039, G replaced by C.
Protein change: p.Val347Leu; replaces valine 347 with leucine.
Molecular consequence: missense variant.
Genome position (GRCh38, 1-based): chr17:5,559,657, C>G on the plus strand (G>C on the coding strand, the complement: NLRP1 is on the minus strand). VCF-style: chr17-5559657-C-G. GRCh37 (hg19) VCF-style: chr17-5462977-C-G.
Other names: c.1039G>C, p.Val347Leu (NM_001033053.3, NM_014922.5, NM_033006.4 and 1 more transcripts); short protein forms V347L.
Identifiers: ClinVar variation 1348361 (VCV001348361.8), dbSNP rs1914504729, ClinGen allele CA397387199.

ClinVar aggregate classification (germline): Uncertain significance (1 of 4 stars; one submission).

Submission:

Labcorp Genetics (formerly Invitae), Labcorp
Classification: Uncertain significance. Last evaluated: 2025-06-02. Review status: criteria provided, single submitter. Criteria: Invitae Variant Classification Sherloc (09022015). Collection method: clinical testing. Allele origin: germline.
Comment: This sequence change replaces valine, which is neutral and non-polar, with leucine, which is neutral and non-polar, at codon 347 of the NLRP1 protein (p.Val347Leu). This variant is not present in population databases (gnomAD no frequency). This variant has not been reported in the literature in individuals affected with NLRP1-related conditions. ClinVar contains an entry for this variant (Variation ID: 1348361). An algorithm developed to predict the effect of missense changes on protein structure and function (PolyPhen-2) suggests that this variant is likely to be disruptive. In summary, the available evidence is currently insufficient to determine the role of this variant in disease. Therefore, it has been classified as a Variant of Uncertain Significance.